The following is an entry in ClinVar:

ClinVar aggregate classification (germline): Benign. Review status: criteria provided, multiple submitters, no conflicts (2 of 4 stars). 2 submissions from 2 submitters: Benign (2). Last evaluated 2018-01-13.

Conditions:
Sorsby fundus dystrophy (SFD). Also called: MACULAR DYSTROPHY, HEMORRHAGIC; Sorsby fundus dystrophy, Lavia type; FUNDUS DYSTROPHY, PSEUDOINFLAMMATORY, OF SORSBY. Identifiers: Orphanet 59181, MedGen C1850938, MONDO:0007640, OMIM 136900.

Allele frequency attached by ClinVar (database versions not stated): 1000 Genomes Project 0.21166; 1000 Genomes Project 30x 0.21174; gnomAD exomes 0.26047; gnomAD 0.26721 and 0.27418; TOPMed 0.26884.
gnomAD v4.1: 40,704 of 152,452 alleles (27%); highest among the groups gnomAD compares: African/African-American, 32%; 5,642 homozygotes.

Submissions (2):

Illumina Laboratory Services, Illumina
Classification: Benign for Sorsby fundus dystrophy. Last evaluated: 2018-01-13. Review status: criteria provided, single submitter. Criteria: ICSL Variant Classification Criteria 13 December 2019. Collection method: clinical testing. Allele origin: germline.
Comment: This variant was observed in the ICSL laboratory as part of a predisposition screen in an ostensibly healthy population. It had not been previously curated by ICSL or reported in the Human Gene Mutation Database (HGMD: prior to June 1st, 2018), and was therefore a candidate for classification through an automated scoring system. Utilizing variant allele frequency, disease prevalence and penetrance estimates, and inheritance mode, an automated score was calculated to assess if this variant is too frequent to cause the disease. Based on the score and internal cut-off values, a variant classified as benign is not then subjected to further curation. The score for this variant resulted in a classification of benign for this disease.

Breakthrough Genomics
Classification: Benign. Review status: criteria provided, single submitter. Criteria: ACMG Guidelines, 2015. Collection method: not provided. Allele origin: germline. Inheritance: Autosomal dominant inheritance. Affected: yes.

NM_000362.5(TIMP3):c.*2686C>T

Genes: SYN3 (synapsin III; minus strand), TIMP3 (TIMP metallopeptidase inhibitor 3; plus strand). Cytogenetic location: 22q12.3.
Variant type: single nucleotide variant.
Coding change: c.*2686C>T on transcript NM_000362.5 (MANE Select); 2686 bases downstream of the stop codon, C replaced by T.
Molecular consequence: 3 prime UTR variant. On other transcripts: intron variant (7).
Genome position (GRCh38, 1-based): chr22:32,862,063, C>T. VCF-style: chr22-32862063-C-T. GRCh37 (hg19) VCF-style: chr22-33258050-C-T.
Other names: c.708+2852G>A (NM_001369909.1, NM_001135774.2, NM_001369910.1); c.711+2852G>A (NM_001369907.1, NM_003490.4, NM_001369908.1 and 1 more transcripts).
Identifiers: ClinVar variation 341394 (VCV000341394.6), dbSNP rs2267184, ClinGen allele CA10653427.